The following is an entry in ClinVar:

ClinVar aggregate classification (germline): Uncertain significance. Review status: criteria provided, multiple submitters, no conflicts (2 of 4 stars). 2 submissions from 2 submitters: Uncertain significance (2). Last evaluated 2025-02-16.

Conditions:
Familial thoracic aortic aneurysm and aortic dissection (TAAD). Also called: Thoracic aortic aneurysms and dissections. Identifiers: Orphanet 91387, MedGen C4707243, MONDO:0019625.
Aortic aneurysm, familial thoracic 4 (AAT4). Also called: AORTIC ANEURYSM/AORTIC DISSECTION AND PATENT DUCTUS ARTERIOSUS. Identifiers: MedGen C1851504, MONDO:0007568, OMIM 132900.

Submissions (2):

Labcorp Genetics (formerly Invitae), Labcorp
Classification: Uncertain significance for Aortic aneurysm, familial thoracic 4. Last evaluated: 2025-02-16. Review status: criteria provided, single submitter. Criteria: Invitae Variant Classification Sherloc (09022015). Collection method: clinical testing. Allele origin: germline.
Comment: This sequence change replaces proline, which is neutral and non-polar, with alanine, which is neutral and non-polar, at codon 325 of the MYH11 protein (p.Pro325Ala). This variant is not present in population databases (gnomAD no frequency). This variant has not been reported in the literature in individuals affected with MYH11-related conditions. ClinVar contains an entry for this variant (Variation ID: 3073888). Invitae Evidence Modeling of protein sequence and biophysical properties (such as structural, functional, and spatial information, amino acid conservation, physicochemical variation, residue mobility, and thermodynamic stability) indicates that this missense variant is not expected to disrupt MYH11 protein function with a negative predictive value of 95%. In summary, the available evidence is currently insufficient to determine the role of this variant in disease. Therefore, it has been classified as a Variant of Uncertain Significance.

All of Us Research Program, National Institutes of Health
Classification: Uncertain significance for Familial thoracic aortic aneurysm and aortic dissection. Last evaluated: 2023-11-30. Review status: criteria provided, single submitter. Criteria: ACMG Guidelines, 2015. Collection method: clinical testing. Allele origin: germline. Inheritance: Autosomal dominant inheritance. Observed: 1 variant allele, 1 heterozygote.
Comment: This study involves interpretation of variants in research participants for the purpose of population health screening. Participant phenotype was not available at the time of variant classification. Additional details can be found in publication PMID: 35346344, PMCID: PMC8962531

NM_002474.3(MYH11):c.952C>G (p.Pro318Ala)

Gene: MYH11 (myosin heavy chain 11; minus strand). Cytogenetic location: 16p13.11.
Variant type: single nucleotide variant.
Coding change: c.952C>G on transcript NM_002474.3 (MANE Select); coding-DNA position 952, C replaced by G.
Protein change: p.Pro318Ala; replaces proline 318 with alanine.
Molecular consequence: missense variant.
Genome position (GRCh38, 1-based): chr16:15,771,650, G>C on the plus strand (C>G on the coding strand, the complement: MYH11 is on the minus strand). VCF-style: chr16-15771650-G-C. GRCh37 (hg19) VCF-style: chr16-15865507-G-C.
Other names: c.973C>G, p.Pro325Ala (NM_001040113.2, NM_001040114.2); c.952C>G, p.Pro318Ala (NM_022844.3); short protein forms P318A, P325A.
Identifiers: ClinVar variation 3073888 (VCV003073888.2), dbSNP rs372237923, ClinGen allele CA394867902.